The following is an entry in ClinVar:

ClinVar aggregate classification (germline): Pathogenic/Likely pathogenic. Review status: criteria provided, multiple submitters, no conflicts (2 of 4 stars). 2 submissions from 2 submitters: Pathogenic (1); Likely pathogenic (1). Last evaluated 2024-09-09.

Conditions:
Autosomal dominant intellectual disability-craniofacial anomalies-cardiac defects syndrome (ARTHS). Also called: Mental retardation, autosomal dominant 32; KAT6A syndrome; Arboleda-Tham syndrome. Identifiers: Orphanet 457193, MedGen C4225396, MONDO:0014558, OMIM 616268.

Submissions (2):

Department of Human Genetics, Hannover Medical School
Classification: Likely pathogenic for Autosomal dominant intellectual disability-craniofacial anomalies-cardiac defects syndrome. Last evaluated: 2024-09-09. Review status: criteria provided, single submitter. Criteria: ACMG Guidelines, 2015. Collection method: clinical testing. Allele origin: germline. Affected: yes.

Victorian Clinical Genetics Services, Murdoch Childrens Research Institute
Classification: Pathogenic for Autosomal dominant intellectual disability-craniofacial anomalies-cardiac defects syndrome. Last evaluated: 2023-07-17. Review status: criteria provided, single submitter. Criteria: ACMG Guidelines, 2015. Collection method: clinical testing. Allele origin: germline. Inheritance: Autosomal dominant inheritance. Affected: yes.
Comment: Based on the classification scheme VCGS_Germline_v1.3.4, this variant is classified as Pathogenic. Following criteria are met: 0102 - Loss of function is a known mechanism of disease in this gene and is associated with Arboleda-Tham syndrome (MIM#616268). (I) 0107 - This gene is associated with autosomal dominant disease. (I) 0201 - Variant is predicted to cause nonsense-mediated decay (NMD) and loss of protein (premature termination codon is located at least 54 nucleotides upstream of the final exon-exon junction). (SP) 0251 - This variant is heterozygous. (I) 0301 - Variant is absent from gnomAD (both v2 and v3). (SP) 0701 - Other NMD-predicted variants comparable to the one identified in this case have very strong previous evidence for pathogenicity (ClinVar, DECIPHER) (SP) 0807 - This variant has no previous evidence of pathogenicity. (I) 0905 - No published segregation evidence has been identified for this variant. (I) 1007 - No published functional evidence has been identified for this variant. (I) 1102 - Strong phenotype match for this individual. (SP) Legend: (SP) - Supporting pathogenic, (I) - Information, (SB) - Supporting benign

NM_006766.5(KAT6A):c.441dup (p.Arg148fs)

Gene: KAT6A (lysine acetyltransferase 6A; minus strand). Cytogenetic location: 8p11.21.
Variant type: Duplication.
Coding change: c.441dup on transcript NM_006766.5 (MANE Select); coding-DNA position 441, one base duplicated (A; older notation c.441dupA).
Protein change: p.Arg148fs; shifts the reading frame from arginine 148.
Molecular consequence: frameshift variant.
Genome position (GRCh38, 1-based): chr8:42,048,537, T duplicated on the plus strand (A on the coding strand, the reverse complement: KAT6A is on the minus strand). VCF-style (leftmost placement, unchanged base first): chr8-42048536-G-GT. GRCh37 (hg19) VCF-style: chr8-41906054-G-GT.
Other names: c.441dup, p.Arg148fs (NM_001305878.2); short protein forms R148fs.
Identifiers: ClinVar variation 3254794 (VCV003254794.2), dbSNP rs2487060716.